The following is an entry in ClinVar:

ClinVar aggregate classification (germline): Uncertain significance. Review status: criteria provided, multiple submitters, no conflicts (2 of 4 stars). 2 submissions from 2 submitters: Uncertain significance (2). Last evaluated 2024-12-28.

Conditions:
Inborn genetic diseases. Identifiers: MedGen C0950123, MeSH D030342.
Majeed syndrome (MJDS). Also called: CHRONIC RECURRENT MULTIFOCAL OSTEOMYELITIS 1, WITH CONGENITAL DYSERYTHROPOIETIC ANEMIA, WITH OR WITHOUT NEUTROPHILIC DERMATOSIS; LPIN2-Related Majeed Syndrome. Identifiers: Orphanet 77297, MedGen C1864997, MONDO:0012316, OMIM 609628.

Allele frequency attached by ClinVar (database versions not stated): gnomAD exomes below 0.00001; gnomAD 0.00001.
gnomAD v4.1: 3 of 1,612,536 alleles (0.00019%); highest among the groups gnomAD compares: Admixed American, 0.0017%; no homozygotes.

Submissions (2):

Ambry Genetics
Classification: Uncertain significance for Inborn genetic diseases. Last evaluated: 2024-12-28. Review status: criteria provided, single submitter. Criteria: Ambry Variant Classification Scheme 2023. Collection method: clinical testing. Allele origin: germline.

Labcorp Genetics (formerly Invitae), Labcorp
Classification: Uncertain significance for Majeed syndrome. Last evaluated: 2022-06-13. Review status: criteria provided, single submitter. Criteria: Invitae Variant Classification Sherloc (09022015). Collection method: clinical testing. Allele origin: germline.
Comment: In summary, the available evidence is currently insufficient to determine the role of this variant in disease. Therefore, it has been classified as a Variant of Uncertain Significance. Algorithms developed to predict the effect of missense changes on protein structure and function (SIFT, PolyPhen-2, Align-GVGD) all suggest that this variant is likely to be disruptive. This variant has not been reported in the literature in individuals affected with LPIN2-related conditions. This variant is present in population databases (no rsID available, gnomAD 0.003%). This sequence change replaces tyrosine, which is neutral and polar, with cysteine, which is neutral and slightly polar, at codon 819 of the LPIN2 protein (p.Tyr819Cys).

NM_001375808.2(LPIN2):c.2456A>G (p.Tyr819Cys)

Gene: LPIN2 (lipin 2; minus strand). Cytogenetic location: 18p11.31.
Variant type: single nucleotide variant.
Coding change: c.2456A>G on transcript NM_001375808.2 (MANE Select); coding-DNA position 2456, A replaced by G.
Protein change: p.Tyr819Cys; replaces tyrosine 819 with cysteine.
Molecular consequence: missense variant.
Genome position (GRCh38, 1-based): chr18:2,920,868, T>C on the plus strand (A>G on the coding strand, the complement: LPIN2 is on the minus strand). VCF-style: chr18-2920868-T-C. GRCh37 (hg19) VCF-style: chr18-2920866-T-C.
Other names: c.2456A>G, p.Tyr819Cys (NM_001375809.1, NM_014646.2); short protein forms Y819C.
Identifiers: ClinVar variation 2186465 (VCV002186465.3), dbSNP rs1229886280, ClinGen allele CA401694208.
Genomic context (GRCh38, chr18:2,920,868, plus strand): 5'-ATTAATTCACCCTTGGGGTTCACGGTGAATATTCTACAGTCTGGAACTCCAACTTGTGTG[T>C]AGGCATAGACATCCTGCAGAAGAAAATAGCAAGCGGGTGATTCCAGGGAGGAGAATTCAG-3'
Protein context (NP_001362737.1, residues 809-829): FGNRPNDVYA[Tyr819Cys]TQVGVPDCRI